The following is an entry in ClinVar:

NM_001376.5(DYNC1H1):c.962-168G>A

Gene: DYNC1H1 (dynein cytoplasmic 1 heavy chain 1; plus strand). Cytogenetic location: 14q32.31.
Variant type: single nucleotide variant.
Coding change: c.962-168G>A on transcript NM_001376.5 (MANE Select); 168 bases into the intron before coding-DNA position 962, G replaced by A.
Molecular consequence: intron variant.
Genome position (GRCh38, 1-based): chr14:101,982,851, G>A. VCF-style: chr14-101982851-G-A. GRCh37 (hg19) VCF-style: chr14-102449188-G-A.
Identifiers: ClinVar variation 679337 (VCV000679337.1), dbSNP rs11851402, ClinGen allele CA13950784.
Genomic context (GRCh38, chr14:101,982,851, plus strand): 5'-CCTTCAGCCTTTAGAGTATGTAGGAATTGACTCATACTCTTAAATAAGCAAAAATGGAGC[G>A]CCACTAGGGTTATCCTGTTAATAACGTGTTGTTTTTTCAAATATGAATAGTTTTTGTCTC-3'

ClinVar aggregate classification (germline): Benign (1 of 4 stars; one submission).

Allele frequency attached by ClinVar (database versions not stated): gnomAD 0.21420 and 0.21425; TOPMed 0.22767; 1000 Genomes Project 30x 0.27717; 1000 Genomes Project 0.27736.
gnomAD v4.1: 32,400 of 152,000 alleles (21%); highest among the groups gnomAD compares: African/African-American, 41%; 4,768 homozygotes.

Submission:

GeneDx
Classification: Benign. Last evaluated: 2018-06-18. Review status: criteria provided, single submitter. Criteria: GeneDx Variant Classification (06012015). Collection method: clinical testing. Allele origin: germline. Affected: yes.
Comment: This variant is considered likely benign or benign based on one or more of the following criteria: it is a conservative change, it occurs at a poorly conserved position in the protein, it is predicted to be benign by multiple in silico algorithms, and/or has population frequency not consistent with disease.